The following is an entry in ClinVar:

NM_004991.4(MECOM):c.547G>C (p.Glu183Gln)

Gene: MECOM (MDS1 and EVI1 complex locus; minus strand). Cytogenetic location: 3q26.2.
Variant type: single nucleotide variant.
Coding change: c.547G>C on transcript NM_004991.4 (MANE Select); coding-DNA position 547, G replaced by C.
Protein change: p.Glu183Gln; replaces glutamic acid 183 with glutamine.
Molecular consequence: missense variant. On other transcripts: 5 prime UTR variant (12).
Genome position (GRCh38, 1-based): chr3:169,131,495, C>G on the plus strand (G>C on the coding strand, the complement: MECOM is on the minus strand). VCF-style: chr3-169131495-C-G. GRCh37 (hg19) VCF-style: chr3-168849283-C-G.
Other names: c.175G>C, p.Glu59Gln (NM_001105077.4); c.-18G>C (NM_001105078.4, NM_001163999.2, NM_001164000.2 and 9 more transcripts); c.547G>C, p.Glu183Gln (NM_001366466.2, NM_001366473.2); short protein forms E59Q, E183Q.
Identifiers: ClinVar variation 3871644 (VCV003871644.1).

ClinVar aggregate classification (germline): Uncertain significance (1 of 4 stars; one submission).

Conditions:
Inborn genetic diseases. Identifiers: MedGen C0950123, MeSH D030342.

gnomAD v4.1: 10 of 1,613,922 alleles (0.00062%); highest among the groups gnomAD compares: Non-Finnish European, 0.00076%; no homozygotes.

Submission:

Ambry Genetics
Classification: Uncertain significance for Inborn genetic diseases. Last evaluated: 2024-12-29. Review status: criteria provided, single submitter. Criteria: Ambry Variant Classification Scheme 2023. Collection method: clinical testing. Allele origin: germline.
Comment: The p.E183Q variant (also known as c.547G>C), located in coding exon 4 of the MECOM gene, results from a G to C substitution at nucleotide position 547. The glutamic acid at codon 183 is replaced by glutamine, an amino acid with highly similar properties. This amino acid position is conserved. In addition, the in silico prediction for this alteration is inconclusive. Based on the available evidence, the clinical significance of this variant remains unclear.